The following is an entry in ClinVar:

NM_015909.4(NBAS):c.1919A>G (p.Tyr640Cys)

Gene: NBAS (NBAS subunit of NRZ tethering complex; minus strand). Cytogenetic location: 2p24.3.
Variant type: single nucleotide variant.
Coding change: c.1919A>G on transcript NM_015909.4 (MANE Select); coding-DNA position 1919, A replaced by G.
Protein change: p.Tyr640Cys; replaces tyrosine 640 with cysteine.
Molecular consequence: missense variant. On other transcripts: non-coding transcript variant (1).
Genome position (GRCh38, 1-based): chr2:15,467,763, T>C on the plus strand (A>G on the coding strand, the complement: NBAS is on the minus strand). VCF-style: chr2-15467763-T-C. GRCh37 (hg19) VCF-style: chr2-15607887-T-C.
Other names: short protein forms Y640C.
Identifiers: ClinVar variation 1428991 (VCV001428991.4), dbSNP rs186337430, ClinGen allele CA1536518.

ClinVar aggregate classification (germline): Uncertain significance (1 of 4 stars; one submission).

Allele frequency attached by ClinVar (database versions not stated): 1000 Genomes Project 30x 0.00016.
gnomAD v4.1: 12 of 1,596,946 alleles (0.00075%); highest among the groups gnomAD compares: Admixed American, 0.005%; no homozygotes.

Submission:

Labcorp Genetics (formerly Invitae), Labcorp
Classification: Uncertain significance. Last evaluated: 2022-08-06. Review status: criteria provided, single submitter. Criteria: Invitae Variant Classification Sherloc (09022015). Collection method: clinical testing. Allele origin: germline.
Comment: This sequence change replaces tyrosine, which is neutral and polar, with cysteine, which is neutral and slightly polar, at codon 640 of the NBAS protein (p.Tyr640Cys). This variant is present in population databases (rs186337430, gnomAD 0.002%). This variant has not been reported in the literature in individuals affected with NBAS-related conditions. ClinVar contains an entry for this variant (Variation ID: 1428991). Algorithms developed to predict the effect of missense changes on protein structure and function (SIFT, PolyPhen-2, Align-GVGD) all suggest that this variant is likely to be disruptive. In summary, the available evidence is currently insufficient to determine the role of this variant in disease. Therefore, it has been classified as a Variant of Uncertain Significance.